The following is an entry in ClinVar:

ClinVar aggregate classification (germline): Uncertain significance. Review status: criteria provided, multiple submitters, no conflicts (2 of 4 stars). 2 submissions from 2 submitters: Uncertain significance (2). Last evaluated 2025-06-06.

Conditions:
Polyps, multiple and recurrent inflammatory fibroid, gastrointestinal. Identifiers: MedGen C5193005, MONDO:0008285, OMIM 175510.
Hereditary cancer-predisposing syndrome. Also called: Neoplastic Syndromes, Hereditary; Tumor predisposition; Hereditary neoplastic syndrome; Hereditary Cancer Syndrome. Identifiers: Orphanet 140162, MedGen C0027672, MeSH D009386, MONDO:0015356.

Allele frequency attached by ClinVar (database versions not stated): gnomAD exomes below 0.00001.
gnomAD v4.1: 1 of 1,613,978 alleles (0.000062%); highest among the groups gnomAD compares: East Asian, 0.0022%; no homozygotes.

Submissions (2):

Ambry Genetics
Classification: Uncertain significance for Hereditary cancer-predisposing syndrome. Last evaluated: 2025-06-06. Review status: criteria provided, single submitter. Criteria: Ambry Variant Classification Scheme 2023. Collection method: clinical testing. Allele origin: germline.
Comment: The p.D135G variant (also known as c.404A>G), located in coding exon 3 of the PDGFRA gene, results from an A to G substitution at nucleotide position 404. The aspartic acid at codon 135 is replaced by glycine, an amino acid with similar properties. This amino acid position is well conserved in available vertebrate species. In addition, this alteration is predicted to be tolerated by in silico analysis. Based on the available evidence, the clinical significance of this variant remains unclear.

Baylor Genetics
Classification: Uncertain significance for Polyps, multiple and recurrent inflammatory fibroid, gastrointestinal. Last evaluated: 2023-11-02. Review status: criteria provided, single submitter. Criteria: ACMG Guidelines, 2015. Collection method: clinical testing. Allele origin: unknown.

NM_006206.6(PDGFRA):c.404A>G (p.Asp135Gly)

Gene: PDGFRA (platelet derived growth factor receptor alpha; plus strand). Cytogenetic location: 4q12.
Variant type: single nucleotide variant.
Coding change: c.404A>G on transcript NM_006206.6 (MANE Select); coding-DNA position 404, A replaced by G.
Protein change: p.Asp135Gly; replaces aspartic acid 135 with glycine.
Molecular consequence: missense variant.
Genome position (GRCh38, 1-based): chr4:54,263,703, A>G. VCF-style: chr4-54263703-A-G. GRCh37 (hg19) VCF-style: chr4-55129870-A-G.
Other names: c.404A>G, p.Asp135Gly (NM_001347827.2, NM_001347829.2); c.479A>G, p.Asp160Gly (NM_001347828.2); c.443A>G, p.Asp148Gly (NM_001347830.2); short protein forms D135G, D148G, D160G.
Identifiers: ClinVar variation 3240065 (VCV003240065.2), dbSNP rs1577709102.